The following is an entry in ClinVar:

NM_001042702.5(PJVK):c.182T>C (p.Ile61Thr)

Gene: PJVK (pejvakin; plus strand). Cytogenetic location: 2q31.2.
Variant type: single nucleotide variant.
Coding change: c.182T>C on transcript NM_001042702.5 (MANE Select); coding-DNA position 182, T replaced by C.
Protein change: p.Ile61Thr; replaces isoleucine 61 with threonine.
Molecular consequence: missense variant. On other transcripts: 5 prime UTR variant (2).
Genome position (GRCh38, 1-based): chr2:178,453,591, T>C. VCF-style: chr2-178453591-T-C. GRCh37 (hg19) VCF-style: chr2-179318318-T-C.
Other names: c.191T>C, p.Ile64Thr (NM_001353775.2); c.287T>C, p.Ile96Thr (NM_001353776.2); c.-296T>C (NM_001353777.1, NM_001353778.2); c.182T>C, p.Ile61Thr (NM_001369912.1); short protein forms I61T, I64T, I96T.
Identifiers: ClinVar variation 2117325 (VCV002117325.1), dbSNP rs1421400741, ClinGen allele CA349397482.

ClinVar aggregate classification (germline): Uncertain significance (1 of 4 stars; one submission).

Allele frequency attached by ClinVar (database versions not stated): gnomAD exomes below 0.00001; TOPMed below 0.00001.
gnomAD v4.1: 2 of 1,613,708 alleles (0.00012%); highest among the groups gnomAD compares: Non-Finnish European, 0.00017%; no homozygotes.

Submission:

Labcorp Genetics (formerly Invitae), Labcorp
Classification: Uncertain significance. Last evaluated: 2022-05-04. Review status: criteria provided, single submitter. Criteria: Invitae Variant Classification Sherloc (09022015). Collection method: clinical testing. Allele origin: germline.
Comment: This sequence change replaces isoleucine, which is neutral and non-polar, with threonine, which is neutral and polar, at codon 61 of the DFNB59 protein (p.Ile61Thr). This variant is not present in population databases (gnomAD no frequency). This variant has not been reported in the literature in individuals affected with DFNB59-related conditions. Algorithms developed to predict the effect of missense changes on protein structure and function (SIFT, PolyPhen-2, Align-GVGD) all suggest that this variant is likely to be disruptive. In summary, the available evidence is currently insufficient to determine the role of this variant in disease. Therefore, it has been classified as a Variant of Uncertain Significance.